The following is an entry in ClinVar:

ClinVar aggregate classification (germline): Conflicting classifications of pathogenicity. Review status: criteria provided, conflicting classifications (1 of 4 stars). 6 submissions from 6 submitters: Uncertain significance (5); Likely benign (1). Last evaluated 2026-02-03.

Conditions:
Hereditary cancer-predisposing syndrome. Also called: Tumor predisposition; Neoplastic Syndromes, Hereditary; Hereditary Cancer Syndrome; Hereditary neoplastic syndrome. Identifiers: Orphanet 140162, MedGen C0027672, MeSH D009386, MONDO:0015356.
Cardiovascular phenotype. Identifiers: MedGen CN230736.
Juvenile myelomonocytic leukemia (JMML). Also called: LEUKEMIA, JUVENILE MYELOMONOCYTIC, SOMATIC. Identifiers: Orphanet 86834, MedGen C0349639, MONDO:0011908, OMIM 607785, HP:0012209.
Neurofibromatosis, type 1 (NF1). Also called: Neurofibromatosis, type I; NEUROFIBROMATOSIS, TYPE I, SOMATIC; Peripheral type neurofibromatosis; VON RECKLINGHAUSEN DISEASE. Identifiers: Orphanet 636, MedGen C0027831, MONDO:0018975, OMIM 162200. Disease mechanism: loss of function.

Allele frequency attached by ClinVar (database versions not stated): gnomAD 0.00001; gnomAD exomes 0.00001; 1000 Genomes Project 0.00020; 1000 Genomes Project 30x 0.00031.
gnomAD v4.1: 11 of 1,613,940 alleles (0.00068%); highest among the groups gnomAD compares: Admixed American, 0.0017%; no homozygotes.

Submissions (6):

Labcorp Genetics (formerly Invitae), Labcorp
Classification: Likely benign for Neurofibromatosis, type 1. Last evaluated: 2026-02-03. Review status: criteria provided, single submitter. Criteria: Invitae Variant Classification Sherloc (09022015). Collection method: clinical testing. Allele origin: germline.

Quest Diagnostics Nichols Institute San Juan Capistrano
Classification: Uncertain significance. Last evaluated: 2025-07-01. Review status: criteria provided, single submitter. Criteria: Quest Diagnostics criteria. Collection method: clinical testing. Allele origin: unknown.

Ambry Genetics
Classification: Uncertain significance for Cardiovascular phenotype; Hereditary cancer-predisposing syndrome. Last evaluated: 2024-09-06. Review status: criteria provided, single submitter. Criteria: Ambry Variant Classification Scheme 2023. Collection method: clinical testing. Allele origin: germline.
Comment: The p.R2328C variant (also known as c.6982C>T), located in coding exon 46 of the NF1 gene, results from a C to T substitution at nucleotide position 6982. The arginine at codon 2328 is replaced by cysteine, an amino acid with highly dissimilar properties. This amino acid position is well conserved in available vertebrate species. In addition, the in silico prediction for this alteration is inconclusive. Since supporting evidence is limited at this time, the clinical significance of this alteration remains unclear.

Baylor Genetics
Classification: Uncertain significance for Juvenile myelomonocytic leukemia. Last evaluated: 2023-05-03. Review status: criteria provided, single submitter. Criteria: ACMG Guidelines, 2015. Collection method: clinical testing. Allele origin: unknown.

Genome-Nilou Lab
Classification: Uncertain significance for Neurofibromatosis, type 1. Last evaluated: 2022-03-15. Review status: criteria provided, single submitter. Criteria: ACMG Guidelines, 2015. Collection method: clinical testing. Allele origin: germline. Affected: no.

GeneDx
Classification: Uncertain significance. Last evaluated: 2017-10-02. Review status: criteria provided, single submitter. Criteria: GeneDx Variant Classification (06012015). Collection method: clinical testing. Allele origin: germline. Affected: yes.
Comment: This variant is denoted NF1 c.6982C>T at the cDNA level, p.Arg2328Cys (R2328C) at the protein level, and results in the change of an Arginine to a Cysteine (CGT>TGT). This variant has not, to our knowledge, been published in the literature as a germline variant; however, it has been reported as a somatic variant in Merkel cell carcinoma (Wong 2015). NF1 Arg2328Cys was not observed in large population cohorts (Lek 2016). Since Arginine and Cysteine differ in polarity, charge, size or other properties, this is considered a non-conservative amino acid substitution. NF1 Arg2328Cys occurs at a position that is not conserved and is located in the C-terminal domain (Luo 2014). In silico analyses predict that this variant is probably damaging to protein structure and function. Based on currently available evidence, it is unclear whether NF1 Arg2328Cys is a pathogenic or benign variant. We consider it to be a variant of uncertain significance.

NM_001042492.3(NF1):c.7045C>T (p.Arg2349Cys)

Gene: NF1 (neurofibromin 1; plus strand). Cytogenetic location: 17q11.2.
Variant type: single nucleotide variant.
Coding change: c.7045C>T on transcript NM_001042492.3 (MANE Select); coding-DNA position 7045, C replaced by T.
Protein change: p.Arg2349Cys; replaces arginine 2349 with cysteine.
Molecular consequence: missense variant.
Genome position (GRCh38, 1-based): chr17:31,340,628, C>T. VCF-style: chr17-31340628-C-T. GRCh37 (hg19) VCF-style: chr17-29667646-C-T.
Other names: c.6982C>T, p.Arg2328Cys (NM_000267.4); short protein forms R2328C, R2349C.
Identifiers: ClinVar variation 404609 (VCV000404609.17), dbSNP rs56013763, ClinGen allele CA16615318.